The following is an entry in ClinVar:

NM_001379110.1(SLC9A6):c.1313G>A (p.Arg438His)

Gene: SLC9A6 (solute carrier family 9 member A6; plus strand). Cytogenetic location: Xq26.3.
Variant type: single nucleotide variant.
Coding change: c.1313G>A on transcript NM_001379110.1 (MANE Select); coding-DNA position 1313, G replaced by A.
Protein change: p.Arg438His; replaces arginine 438 with histidine.
Molecular consequence: missense variant.
Genome position (GRCh38, 1-based): chrX:136,024,336, G>A. VCF-style: chrX-136024336-G-A. GRCh37 (hg19) VCF-style: chrX-135106495-G-A.
Other names: c.1469G>A, p.Arg490His (NM_001042537.2); c.1313G>A, p.Arg438His (NM_001177651.2); c.1217G>A, p.Arg406His (NM_001330652.2); c.1373G>A, p.Arg458His (NM_006359.3); short protein forms R406H, R438H, R458H, R490H.
Identifiers: ClinVar variation 1205275 (VCV001205275.9), dbSNP rs2148189865, ClinGen allele CA414754409.
Genomic context (GRCh38, chrX:136,024,336, plus strand): 5'-AAGCTTGCATTGGTAATGAGTTATTGAAGAAATACCTTTTCTGTTCCCCTGTAGGCCTTC[G>A]TGGTGCAATGGCATTTGCCTTGGCCATTCGAGATACTGCCACTTATGCACGGCAAATGAT-3'
Protein context (NP_001366039.1, residues 428-448): FQHMMMFAGL[Arg438His]GAMAFALAIR

ClinVar aggregate classification (germline): Uncertain significance. Review status: criteria provided, multiple submitters, no conflicts (2 of 4 stars). 3 submissions from 3 submitters: Uncertain significance (3). Last evaluated 2026-09-30.

Conditions:
Christianson syndrome (MRXSCH). Also called: X-linked mental retardation, syndromic, Christianson type; SLC9A6-Related Syndromic Mental Retardation; INTELLECTUAL DEVELOPMENTAL DISORDER, X-LINKED, SYNDROMIC, CHRISTIANSON TYPE. Identifiers: Orphanet 85278, MedGen C2678194, MONDO:0010278, OMIM 300243.

gnomAD v4.1: 1 of 1,211,077 alleles (0.000083%); highest among the groups gnomAD compares: Non-Finnish European, 0.00011%; no homozygotes.

Submissions (3):

GeneDx
Classification: Uncertain significance. Last evaluated: 2026-09-30. Review status: criteria provided, single submitter. Criteria: GeneDx Variant Classification Process June 2021. Collection method: clinical testing. Allele origin: germline.
Comment: Has not been previously published as pathogenic or benign to our knowledge; Not observed at significant frequency in large population cohorts (gnomAD); In silico analysis supports that this missense variant has a deleterious effect on protein structure/function

Labcorp Genetics (formerly Invitae), Labcorp
Classification: Uncertain significance for Christianson syndrome. Last evaluated: 2024-06-04. Review status: criteria provided, single submitter. Criteria: Invitae Variant Classification Sherloc (09022015). Collection method: clinical testing. Allele origin: germline.
Comment: This sequence change replaces arginine, which is basic and polar, with histidine, which is basic and polar, at codon 458 of the SLC9A6 protein (p.Arg458His). This variant is not present in population databases (gnomAD no frequency). This variant has not been reported in the literature in individuals affected with SLC9A6-related conditions. ClinVar contains an entry for this variant (Variation ID: 1205275). Advanced modeling of protein sequence and biophysical properties (such as structural, functional, and spatial information, amino acid conservation, physicochemical variation, residue mobility, and thermodynamic stability) performed at Invitae indicates that this missense variant is expected to disrupt SLC9A6 protein function with a positive predictive value of 80%. In summary, the available evidence is currently insufficient to determine the role of this variant in disease. Therefore, it has been classified as a Variant of Uncertain Significance.

Revvity Omics, Revvity
Classification: Uncertain significance for Christianson syndrome. Last evaluated: 2023-06-19. Review status: criteria provided, single submitter. Criteria: ACMG Guidelines, 2015. Collection method: clinical testing. Allele origin: germline.